The following is an entry in ClinVar:

ClinVar aggregate classification (germline): Uncertain significance (1 of 4 stars; one submission).

Conditions:
Tuberous sclerosis 1 (TSC1). Identifiers: Orphanet 805, MedGen C1854465, MONDO:0008612, OMIM 191100.

Submission:

Labcorp Genetics (formerly Invitae), Labcorp
Classification: Uncertain significance for Tuberous sclerosis 1. Last evaluated: 2019-04-07. Review status: criteria provided, single submitter. Criteria: Invitae Variant Classification Sherloc (09022015). Collection method: clinical testing. Allele origin: germline.
Comment: This variant has not been reported in the literature in individuals with TSC1-related conditions. Algorithms developed to predict the effect of missense changes on protein structure and function are either unavailable or do not agree on the potential impact of this missense change (SIFT: "Deleterious"; PolyPhen-2: "Probably Damaging"; Align-GVGD: "Class C0"). In summary, the available evidence is currently insufficient to determine the role of this variant in disease. Therefore, it has been classified as a Variant of Uncertain Significance. This variant is not present in population databases (ExAC no frequency). This sequence change replaces aspartic acid with glycine at codon 254 of the TSC1 protein (p.Asp254Gly). The aspartic acid residue is highly conserved and there is a moderate physicochemical difference between aspartic acid and glycine.

NM_000368.5(TSC1):c.761A>G (p.Asp254Gly)

Gene: TSC1 (TSC complex subunit 1; minus strand). Cytogenetic location: 9q34.13.
Variant type: single nucleotide variant.
Coding change: c.761A>G on transcript NM_000368.5 (MANE Select); coding-DNA position 761, A replaced by G.
Protein change: p.Asp254Gly; replaces aspartic acid 254 with glycine.
Molecular consequence: missense variant.
Genome position (GRCh38, 1-based): chr9:132,912,434, T>C on the plus strand (A>G on the coding strand, the complement: TSC1 is on the minus strand). VCF-style: chr9-132912434-T-C. GRCh37 (hg19) VCF-style: chr9-135787821-T-C.
Other names: c.761A>G, p.Asp254Gly (NM_001162426.2); c.608A>G, p.Asp203Gly (NM_001162427.2); c.398A>G, p.Asp133Gly (NM_001362177.2); short protein forms D203G, D254G, D133G.
Identifiers: ClinVar variation 856186 (VCV000856186.9), dbSNP rs1846018773, ClinGen allele CA375369643.